The following is an entry in ClinVar:

ClinVar aggregate classification (germline): Benign/Likely benign. Review status: criteria provided, multiple submitters, no conflicts (2 of 4 stars). 7 submissions from 7 submitters: Benign (5); Likely benign (2). Last evaluated 2026-01-20.

Conditions:
Developmental and epileptic encephalopathy, 69. Also called: EPILEPTIC ENCEPHALOPATHY, EARLY INFANTILE, 69. Identifiers: MedGen C4748988, MONDO:0032657, OMIM 618285.
Inborn genetic diseases. Identifiers: MedGen C0950123, MeSH D030342.

Allele frequency attached by ClinVar (database versions not stated): gnomAD exomes 0.00026 and 0.00069; ExAC 0.00114; 1000 Genomes Project 0.00160; 1000 Genomes Project 30x 0.00187; gnomAD 0.00284 and 0.00297; TOPMed 0.00332; ESP Exome Variant Server 0.00336.
gnomAD v4.1: 803 of 1,580,556 alleles (0.051%); highest among the groups gnomAD compares: African/African-American, 0.95%; 7 homozygotes.

Submissions (7):

Labcorp Genetics (formerly Invitae), Labcorp
Classification: Benign. Last evaluated: 2026-01-20. Review status: criteria provided, single submitter. Criteria: Invitae Variant Classification Sherloc (09022015). Collection method: clinical testing. Allele origin: germline.

Blueprint Genetics
Classification: Likely benign. Last evaluated: 2024-09-09. Review status: criteria provided, single submitter. Criteria: ACMG Guidelines, 2015. Collection method: clinical testing. Allele origin: germline.

Ambry Genetics
Classification: Likely benign for Inborn genetic diseases. Last evaluated: 2024-08-14. Review status: criteria provided, single submitter. Criteria: Ambry Variant Classification Scheme 2023. Collection method: clinical testing. Allele origin: germline.

CeGaT Center for Human Genetics Tuebingen
Classification: Benign. Last evaluated: 2024-05-01. Review status: criteria provided, single submitter. Criteria: CeGaT Center For Human Genetics Tuebingen Variant Classification Criteria Version 2. Collection method: clinical testing. Allele origin: germline. Affected: yes. Observed: 3 variant alleles.
Comment: CACNA1E: BP4, BS1, BS2

ARUP Laboratories, Molecular Genetics and Genomics, ARUP Laboratories
Classification: Benign for Developmental and epileptic encephalopathy, 69. Last evaluated: 2024-01-17. Review status: criteria provided, single submitter. Criteria: ARUP Molecular Germline Variant Investigation Process 2024. Collection method: clinical testing. Allele origin: germline.

Genome-Nilou Lab
Classification: Benign for Developmental and epileptic encephalopathy, 69. Last evaluated: 2023-04-11. Review status: criteria provided, single submitter. Criteria: ACMG Guidelines, 2015. Collection method: clinical testing. Allele origin: germline. Affected: no.

GeneDx
Classification: Benign. Last evaluated: 2021-03-29. Review status: criteria provided, single submitter. Criteria: GeneDx Variant Classification Process June 2021. Collection method: clinical testing. Allele origin: germline. Affected: yes.

NM_001205293.3(CACNA1E):c.6399+3G>A

Gene: CACNA1E (calcium voltage-gated channel subunit alpha1 E; plus strand). Cytogenetic location: 1q25.3.
Variant type: single nucleotide variant.
Coding change: c.6399+3G>A on transcript NM_001205293.3 (MANE Select); 3 bases into the intron after coding-DNA position 6399, G replaced by A.
Molecular consequence: intron variant.
Genome position (GRCh38, 1-based): chr1:181,796,861, G>A. VCF-style: chr1-181796861-G-A. GRCh37 (hg19) VCF-style: chr1-181765997-G-A.
Other names: c.6270+3G>A (NM_000721.4); c.6213+3G>A (NM_001205294.2); c.6399+3G>A (NM_001205293.1).
Identifiers: ClinVar variation 1238214 (VCV001238214.38), dbSNP rs377238885, ClinGen allele CA1276391.